The following is an entry in ClinVar:

ClinVar aggregate classification (germline): Uncertain significance. Review status: criteria provided, multiple submitters, no conflicts (2 of 4 stars). 4 submissions from 4 submitters: Uncertain significance (4). Last evaluated 2025-12-17.

Conditions:
Neuroblastoma, susceptibility to, 3. Also called: ALK-Related Neuroblastic Tumor Susceptibility. Identifiers: Orphanet 635, MedGen C2751681, MONDO:0013083, OMIM 613014.
Hereditary cancer-predisposing syndrome. Also called: Neoplastic Syndromes, Hereditary; Hereditary neoplastic syndrome; Hereditary Cancer Syndrome; Tumor predisposition. Identifiers: Orphanet 140162, MedGen C0027672, MeSH D009386, MONDO:0015356.

Allele frequency attached by ClinVar (database versions not stated): gnomAD exomes below 0.00001; ExAC 0.00001; ESP Exome Variant Server 0.00008.
gnomAD v4.1: 1 of 1,613,376 alleles (0.000062%); highest among the groups gnomAD compares: Non-Finnish European, 0.000085%; no homozygotes.

Submissions (4):

Labcorp Genetics (formerly Invitae), Labcorp
Classification: Uncertain significance for Neuroblastoma, susceptibility to, 3. Last evaluated: 2025-12-17. Review status: criteria provided, single submitter. Criteria: Invitae Variant Classification Sherloc (09022015). Collection method: clinical testing. Allele origin: germline.
Comment: This sequence change replaces valine, which is neutral and non-polar, with isoleucine, which is neutral and non-polar, at codon 1049 of the ALK protein (p.Val1049Ile). The frequency data for this variant in the population databases is considered unreliable, as metrics indicate poor data quality at this position in the gnomAD database. This variant has not been reported in the literature in individuals affected with ALK-related conditions. ClinVar contains an entry for this variant (Variation ID: 944983). An algorithm developed to predict the effect of missense changes on protein structure and function outputs the following: PolyPhen-2: "Benign". The isoleucine amino acid residue is found in multiple mammalian species, which suggests that this missense change does not adversely affect protein function. In summary, the available evidence is currently insufficient to determine the role of this variant in disease. Therefore, it has been classified as a Variant of Uncertain Significance.

GeneDx
Classification: Uncertain significance. Last evaluated: 2024-12-17. Review status: criteria provided, single submitter. Criteria: GeneDx Variant Classification Process June 2021. Collection method: clinical testing. Allele origin: germline. Affected: yes.
Comment: Not observed at significant frequency in large population cohorts (gnomAD); In silico analysis indicates that this missense variant does not alter protein structure/function; Has not been previously published as pathogenic or benign to our knowledge

Ambry Genetics
Classification: Uncertain significance for Hereditary cancer-predisposing syndrome. Last evaluated: 2024-11-15. Review status: criteria provided, single submitter. Criteria: Ambry Variant Classification Scheme 2023. Collection method: clinical testing. Allele origin: germline.

Baylor Genetics
Classification: Uncertain significance for Neuroblastoma, susceptibility to, 3. Last evaluated: 2024-02-27. Review status: criteria provided, single submitter. Criteria: ACMG Guidelines, 2015. Collection method: clinical testing. Allele origin: unknown.

NM_004304.5(ALK):c.3145G>A (p.Val1049Ile)

Gene: ALK (ALK receptor tyrosine kinase; minus strand). Cytogenetic location: 2p23.2.
Variant type: single nucleotide variant.
Coding change: c.3145G>A on transcript NM_004304.5 (MANE Select); coding-DNA position 3145, G replaced by A.
Protein change: p.Val1049Ile; replaces valine 1049 with isoleucine.
Molecular consequence: missense variant.
Genome position (GRCh38, 1-based): chr2:29,225,488, C>T on the plus strand (G>A on the coding strand, the complement: ALK is on the minus strand). VCF-style: chr2-29225488-C-T. GRCh37 (hg19) VCF-style: chr2-29448354-C-T.
Other names: short protein forms V1049I.
Identifiers: ClinVar variation 944983 (VCV000944983.13), dbSNP rs143452915, ClinGen allele CA1594063.